The following is an entry in ClinVar:

ClinVar aggregate classification (germline): Uncertain significance (1 of 4 stars; one submission).

Conditions:
Paediatric disorders.

gnomAD v4.1: 2 of 1,612,880 alleles (0.00012%); highest among the groups gnomAD compares: Non-Finnish European, 0.00017%; no homozygotes.

Submission:

North West Genomic Laboratory Hub, Manchester University NHS Foundation Trust
Classification: Uncertain significance for Paediatric disorders. Last evaluated: 2026-04-27. Review status: criteria provided, single submitter. Criteria: ACGS Best Practice Guidelines for Variant Classification in Rare Disease 2024. Collection method: clinical testing. Allele origin: germline. Affected: yes.
Comment: PM2_Mod BP4_Supp

NM_001170629.2(CHD8):c.1663G>A (p.Val555Met)

Gene: CHD8 (chromodomain helicase DNA binding protein 8; minus strand). Cytogenetic location: 14q11.2.
Variant type: single nucleotide variant.
Coding change: c.1663G>A on transcript NM_001170629.2 (MANE Select); coding-DNA position 1663, G replaced by A.
Protein change: p.Val555Met; replaces valine 555 with methionine.
Molecular consequence: missense variant.
Genome position (GRCh38, 1-based): chr14:21,426,181, C>T on the plus strand (G>A on the coding strand, the complement: CHD8 is on the minus strand). VCF-style: chr14-21426181-C-T. GRCh37 (hg19) VCF-style: chr14-21894340-C-T.
Other names: c.826G>A, p.Val276Met (NM_020920.4); short protein forms V276M, V555M.
Identifiers: ClinVar variation 4851483 (VCV004851483.1).